The following is an entry in ClinVar:

ClinVar aggregate classification (germline): Pathogenic. Review status: criteria provided, single submitter (1 of 4 stars). 2 submissions from 2 submitters: Pathogenic (1). 1 of the submissions does not count toward it. Last evaluated 2021-06-18.

Conditions:
Hereditary cancer-predisposing syndrome. Also called: Neoplastic Syndromes, Hereditary; Tumor predisposition; Hereditary neoplastic syndrome; Hereditary Cancer Syndrome. Identifiers: Orphanet 140162, MedGen C0027672, MeSH D009386, MONDO:0015356.
Hirschsprung disease-ganglioneuroblastoma syndrome. Also called: Neuroblastoma with Hirschsprung disease. Identifiers: Orphanet 2151, MedGen C5191058, MONDO:0013082.

Submissions (2):

Ambry Genetics
Classification: Pathogenic for Hereditary cancer-predisposing syndrome. Last evaluated: 2021-06-18. Review status: criteria provided, single submitter. Criteria: Ambry Variant Classification Scheme 2023. Collection method: clinical testing. Allele origin: germline.
Comment: The c.676delG pathogenic mutation, located in coding exon 3 of the PHOX2B gene, results from a deletion of one nucleotide at nucleotide position 676, causing a translational frameshift with a predicted alternate stop codon (p.A226Rfs*83). This alteration occurs at the 3' terminus of thePHOX2B gene, is not expected to trigger nonsense-mediated mRNA decay, and only impacts the last 28% of the protein. However, premature stop codons are typically deleterious in nature and the impacted region is critical for protein function (Ambry internal data). This variant has been reported to segregate with neuroblastoma in one family, which also had a history of Hirschsprung disease (Mosse YP et al. Am J Hum Genet, 2004 Oct;75:727-30). Functional studies have shown that this alteration impairs the trans-activation activity of PHOX2B and may disrupt the proliferation and differentiation of neural cells (Raabe EH et al. Oncogene, 2008 Jan;27:469-76; Reiff T et al. J Neurosci, 2010 Jan;30:905-15; Pei D et al. PLoS Genet, 2013 Jun;9:e1003533; Wang W et al. Oncogene, 2014 Jun;33:3316-24). This variant is considered to be rare based on population cohorts in the Genome Aggregation Database (gnomAD). Based on the supporting evidence, this alteration is interpreted as a disease-causing mutation.

OMIM
Classification: Pathogenic for NEUROBLASTOMA WITH HIRSCHSPRUNG DISEASE. Last evaluated: 2004-10-01. Review status: no assertion criteria provided. Collection method: literature only. Allele origin: germline. Not counted in ClinVar's aggregate classification.

Literature cited by the submitters: PubMed 15338462 (cited by Ambry Genetics and OMIM); PubMed 17637745 (cited by Ambry Genetics); PubMed 20089899 (cited by Ambry Genetics); PubMed 23754957 (cited by Ambry Genetics); PubMed 23873030 (cited by Ambry Genetics); PubMed 12438263 (cited by OMIM); PubMed 11953745 (cited by OMIM).

NM_003924.4(PHOX2B):c.676del (p.Ala226fs)

Gene: PHOX2B (paired like homeobox 2B; minus strand). Cytogenetic location: 4p13.
Variant type: Deletion.
Coding change: c.676del on transcript NM_003924.4 (MANE Select); coding-DNA position 676, one base deleted (G; older notation c.676delG).
Protein change: p.Ala226fs; shifts the reading frame from alanine 226.
Molecular consequence: frameshift variant.
Genome position (GRCh38, 1-based): chr4:41,746,076, C deleted on the plus strand (G on the coding strand, the reverse complement: PHOX2B is on the minus strand); the first of 5 consecutive C bases (chr4:41,746,076-41,746,080); deleting any one gives the same sequence. VCF-style (leftmost placement, unchanged base first): chr4-41746075-GC-G. GRCh37 (hg19) VCF-style: chr4-41748092-GC-G.
Other names: c.672delG, p.Ala226Argfs (NM_003924.3); c.676delG (NM_003924.3); short protein forms A226fs.
Identifiers: ClinVar variation 6013 (VCV000006013.3), dbSNP rs2552096838, ClinGen allele CA2580071011.
Genomic context (GRCh38, chr4:41,746,075, plus strand): 5'-GCCGCCGCTGCTGCTGCGCCGCCCTTGCCGGGTTCGCCTCCCGGGCCCCCGGGCCCCGCC[GC>G]CCCCGGAGCTCCAGCCGGGCTGGGCCCGCCGCCGCCGCCTCCATTCGCCCCGCAGCTGGG-3'